The following is an entry in ClinVar:

ClinVar aggregate classification (germline): Likely benign. Review status: criteria provided, multiple submitters, no conflicts (2 of 4 stars). 2 submissions from 2 submitters: Likely benign (2). Last evaluated 2025-11-03.

Conditions:
Charcot-Marie-Tooth disease axonal type 2O. Also called: Charcot-Marie-Tooth disease, axonal, type 20; CHARCOT-MARIE-TOOTH NEUROPATHY, AXONAL, TYPE 2O; CHARCOT-MARIE-TOOTH DISEASE, AXONAL, AUTOSOMAL DOMINANT, TYPE 2O; Charcot-Marie-Tooth Neuropathy Type 2O. Identifiers: Orphanet 284232, MedGen C3280220, MONDO:0013644, OMIM 614228.

Allele frequency attached by ClinVar (database versions not stated): ExAC 0.00002; gnomAD exomes 0.00002; gnomAD 0.00003; TOPMed 0.00003; ESP Exome Variant Server 0.00015.
gnomAD v4.1: 35 of 1,614,144 alleles (0.0022%); highest among the groups gnomAD compares: African/African-American, 0.0067%; no homozygotes.

Submissions (2):

Labcorp Genetics (formerly Invitae), Labcorp
Classification: Likely benign for Charcot-Marie-Tooth disease axonal type 2O. Last evaluated: 2025-11-03. Review status: criteria provided, single submitter. Criteria: Invitae Variant Classification Sherloc (09022015). Collection method: clinical testing. Allele origin: germline.

GeneDx
Classification: Likely benign. Last evaluated: 2017-09-07. Review status: criteria provided, single submitter. Criteria: GeneDx Variant Classification (06012015). Collection method: clinical testing. Allele origin: germline. Affected: yes.
Comment: This variant is considered likely benign or benign based on one or more of the following criteria: it is a conservative change, it occurs at a poorly conserved position in the protein, it is predicted to be benign by multiple in silico algorithms, and/or has population frequency not consistent with disease.

NM_001376.5(DYNC1H1):c.7848+17G>A

Gene: DYNC1H1 (dynein cytoplasmic 1 heavy chain 1; plus strand). Cytogenetic location: 14q32.31.
Variant type: single nucleotide variant.
Coding change: c.7848+17G>A on transcript NM_001376.5 (MANE Select); 17 bases into the intron after coding-DNA position 7848, G replaced by A.
Molecular consequence: intron variant.
Genome position (GRCh38, 1-based): chr14:102,017,016, G>A. VCF-style: chr14-102017016-G-A. GRCh37 (hg19) VCF-style: chr14-102483353-G-A.
Identifiers: ClinVar variation 511963 (VCV000511963.8), dbSNP rs374043245, ClinGen allele CA7352893.